The following is an entry in ClinVar:

ClinVar aggregate classification (germline): Uncertain significance (1 of 4 stars; one submission).

Conditions:
Short-rib thoracic dysplasia 6 with or without polydactyly (SRTD6). Also called: SHORT-RIB THORACIC DYSPLASIA 6 WITH POLYDACTYLY; SHORT-RIB THORACIC DYSPLASIA 6 WITHOUT POLYDACTYLY; Majewski Syndrome; POLYDACTYLY WITH NEONATAL CHONDRODYSTROPHY, TYPE II; SHORT RIB-POLYDACTYLY SYNDROME, TYPE IIA. Identifiers: MedGen C0024507, MONDO:0009894, OMIM 263520.

gnomAD v4.1: 44 of 1,613,078 alleles (0.0027%); highest among the groups gnomAD compares: South Asian, 0.047%; no homozygotes.

Submission:

Labcorp Genetics (formerly Invitae), Labcorp
Classification: Uncertain significance for Short-rib thoracic dysplasia 6 with or without polydactyly. Last evaluated: 2023-09-19. Review status: criteria provided, single submitter. Criteria: Invitae Variant Classification Sherloc (09022015). Collection method: clinical testing. Allele origin: germline.
Comment: In summary, the available evidence is currently insufficient to determine the role of this variant in disease. Therefore, it has been classified as a Variant of Uncertain Significance. Advanced modeling of protein sequence and biophysical properties (such as structural, functional, and spatial information, amino acid conservation, physicochemical variation, residue mobility, and thermodynamic stability) performed at Invitae indicates that this missense variant is not expected to disrupt NEK1 protein function. This variant has not been reported in the literature in individuals affected with NEK1-related conditions. This variant is present in population databases (rs200161705, gnomAD 0.04%). This sequence change replaces arginine, which is basic and polar, with leucine, which is neutral and non-polar, at codon 261 of the NEK1 protein (p.Arg261Leu).

NM_001199397.3(NEK1):c.782G>T (p.Arg261Leu)

Gene: NEK1 (NIMA related kinase 1; minus strand). Cytogenetic location: 4q33.
Variant type: single nucleotide variant.
Coding change: c.782G>T on transcript NM_001199397.3 (MANE Select); coding-DNA position 782, G replaced by T.
Protein change: p.Arg261Leu; replaces arginine 261 with leucine.
Molecular consequence: missense variant. On other transcripts: non-coding transcript variant (2).
Genome position (GRCh38, 1-based): chr4:169,585,374, C>A on the plus strand (G>T on the coding strand, the complement: NEK1 is on the minus strand). VCF-style: chr4-169585374-C-A. GRCh37 (hg19) VCF-style: chr4-170506525-C-A.
Other names: c.782G>T, p.Arg261Leu (NM_001199398.3, NM_001199399.3, NM_001199400.3 and 7 more transcripts); short protein forms R261L.
Identifiers: ClinVar variation 2729713 (VCV002729713.3), dbSNP rs200161705, ClinGen allele CA3137954.